The following is an entry in ClinVar:

ClinVar aggregate classification (germline): Uncertain significance (1 of 4 stars; one submission).

Conditions:
Spastic paraplegia. Identifiers: MedGen C0037772, HP:0001258.

Submission:

Labcorp Genetics (formerly Invitae), Labcorp
Classification: Uncertain significance for Spastic paraplegia. Last evaluated: 2024-10-10. Review status: criteria provided, single submitter. Criteria: Invitae Variant Classification Sherloc (09022015). Collection method: clinical testing. Allele origin: germline.
Comment: This sequence change replaces asparagine, which is neutral and polar, with serine, which is neutral and polar, at codon 257 of the ARSI protein (p.Asn257Ser). This variant is not present in population databases (gnomAD no frequency). This variant has not been reported in the literature in individuals affected with ARSI-related conditions. Invitae Evidence Modeling of protein sequence and biophysical properties (such as structural, functional, and spatial information, amino acid conservation, physicochemical variation, residue mobility, and thermodynamic stability) indicates that this missense variant is not expected to disrupt ARSI protein function with a negative predictive value of 80%. In summary, the available evidence is currently insufficient to determine the role of this variant in disease. Therefore, it has been classified as a Variant of Uncertain Significance.

NM_001012301.4(ARSI):c.770A>G (p.Asn257Ser)

Gene: ARSI (arylsulfatase family member I; minus strand). Cytogenetic location: 5q32.
Variant type: single nucleotide variant.
Coding change: c.770A>G on transcript NM_001012301.4 (MANE Select); coding-DNA position 770, A replaced by G.
Protein change: p.Asn257Ser; replaces asparagine 257 with serine.
Molecular consequence: missense variant.
Genome position (GRCh38, 1-based): chr5:150,298,154, T>C on the plus strand (A>G on the coding strand, the complement: ARSI is on the minus strand). VCF-style: chr5-150298154-T-C. GRCh37 (hg19) VCF-style: chr5-149677717-T-C.
Other names: short protein forms N257S.
Identifiers: ClinVar variation 3667143 (VCV003667143.2).
Genomic context (GRCh38, chr5:150,298,154, plus strand): 5'-ATGTTGCGCACAGCCTCATCCATGCAGGTCACCATGGCCGCGTACTTCCGCCGGGCCACA[T>C]TGCCCATGGTGCGGTAGCGGTACAGGTACTCACGAGGGGACTGCAGGGGTGTGTGTACTG-3'
Protein context (NP_001012301.1, residues 247-267): EYLYRYRTMG[Asn257Ser]VARRKYAAMV